The following is an entry in ClinVar:

NM_001040108.2(MLH3):c.2989A>G (p.Ser997Gly)

Gene: MLH3 (mutL homolog 3; minus strand). Cytogenetic location: 14q24.3.
Variant type: single nucleotide variant.
Coding change: c.2989A>G on transcript NM_001040108.2 (MANE Select); coding-DNA position 2989, A replaced by G.
Protein change: p.Ser997Gly; replaces serine 997 with glycine.
Molecular consequence: missense variant.
Genome position (GRCh38, 1-based): chr14:75,046,667, T>C on the plus strand (A>G on the coding strand, the complement: MLH3 is on the minus strand). VCF-style: chr14-75046667-T-C. GRCh37 (hg19) VCF-style: chr14-75513370-T-C.
Other names: c.2989A>G, p.Ser997Gly (NM_014381.3); short protein forms S997G.
Identifiers: ClinVar variation 4108604 (VCV004108604.1).
Genomic context (GRCh38, chr14:75,046,667, plus strand): 5'-TTTGGTCACCTGTGGCATCTTCTACCGGATTCATTAACATTCCACTGGGAGAGTCAAGAC[T>C]TCCTATCTGTTGTTCTGAGGCTCTGATAAGAACATCTGAATCTTTACCGGTAACTTTAGA-3'
Protein context (NP_001035197.1, residues 987-1007): LIRASEQQIG[Ser997Gly]LDSPSGMLMN

ClinVar aggregate classification (germline): Uncertain significance (1 of 4 stars; one submission).

gnomAD v4.1: 1 of 1,614,244 alleles (0.000062%); highest among the groups gnomAD compares: South Asian, 0.0011%; no homozygotes.

Submission:

Ambry Genetics
Classification: Uncertain significance. Last evaluated: 2025-07-06. Review status: criteria provided, single submitter. Criteria: Ambry Variant Classification Scheme 2023. Collection method: clinical testing. Allele origin: germline.
Comment: The p.S997G variant (also known as c.2989A>G), located in coding exon 1 of the MLH3 gene, results from an A to G substitution at nucleotide position 2989. The serine at codon 997 is replaced by glycine, an amino acid with similar properties. This amino acid position is conserved. In addition, this alteration is predicted to be tolerated by in silico analysis. Based on the available evidence, the clinical significance of this variant remains unclear.